The following is an entry in ClinVar:

NM_000057.4(BLM):c.1154C>G (p.Thr385Ser)

Gene: BLM (BLM RecQ like helicase; plus strand). Cytogenetic location: 15q26.1.
Variant type: single nucleotide variant.
Coding change: c.1154C>G on transcript NM_000057.4 (MANE Select); coding-DNA position 1154, C replaced by G.
Protein change: p.Thr385Ser; replaces threonine 385 with serine.
Molecular consequence: missense variant.
Genome position (GRCh38, 1-based): chr15:90,760,213, C>G. VCF-style: chr15-90760213-C-G. GRCh37 (hg19) VCF-style: chr15-91303443-C-G.
Other names: c.1154C>G, p.Thr385Ser (NM_001287246.2, NM_001287247.2); c.29C>G, p.Thr10Ser (NM_001287248.2); short protein forms T385S, T10S.
Identifiers: ClinVar variation 2566811 (VCV002566811.2), dbSNP rs202009716, ClinGen allele CA393842433.

ClinVar aggregate classification (germline): Uncertain significance (1 of 4 stars; one submission).

Conditions:
Hereditary cancer-predisposing syndrome. Also called: Hereditary neoplastic syndrome; Hereditary Cancer Syndrome; Neoplastic Syndromes, Hereditary; Tumor predisposition. Identifiers: Orphanet 140162, MedGen C0027672, MeSH D009386, MONDO:0015356.

Allele frequency attached by ClinVar (database versions not stated): TOPMed below 0.00001.
gnomAD v4.1: 1 of 1,613,448 alleles (0.000062%); highest among the groups gnomAD compares: African/African-American, 0.0013%; no homozygotes.

Submission:

Ambry Genetics
Classification: Uncertain significance for Hereditary cancer-predisposing syndrome. Last evaluated: 2023-03-31. Review status: criteria provided, single submitter. Criteria: Ambry Variant Classification Scheme 2023. Collection method: clinical testing. Allele origin: germline.
Comment: The p.T385S variant (also known as c.1154C>G), located in coding exon 5 of the BLM gene, results from a C to G substitution at nucleotide position 1154. The threonine at codon 385 is replaced by serine, an amino acid with similar properties. This amino acid position is conserved. In addition, this alteration is predicted to be tolerated by in silico analysis. Since supporting evidence is limited at this time, the clinical significance of this alteration remains unclear.